The following is an entry in ClinVar:

NM_182961.4(SYNE1):c.18972+1G>T

Gene: SYNE1 (spectrin repeat containing nuclear envelope protein 1; minus strand). Cytogenetic location: 6q25.2.
Variant type: single nucleotide variant.
Coding change: c.18972+1G>T on transcript NM_182961.4 (MANE Select); the canonical splice donor site of the intron after coding-DNA position 18972, G replaced by T.
Molecular consequence: splice donor variant.
Genome position (GRCh38, 1-based): chr6:152,262,031, C>A on the plus strand (G>T on the coding strand, the complement: SYNE1 is on the minus strand). VCF-style: chr6-152262031-C-A. GRCh37 (hg19) VCF-style: chr6-152583166-C-A.
Other names: c.18759+1G>T (NM_033071.5).
Identifiers: ClinVar variation 3377196 (VCV003377196.1).

ClinVar aggregate classification (germline): Likely pathogenic (1 of 4 stars; one submission).

Conditions:
Autosomal recessive ataxia, Beauce type. Also called: SYNE1 Deficiency; Spinocerebellar ataxia, autosomal recessive 8; ATAXIA, RECESSIVE, OF BEAUCE; SYNE1-Related Autosomal Recessive Cerebellar Ataxia. Identifiers: Orphanet 88644, MedGen C1853116, MONDO:0012549, OMIM 610743.

gnomAD v4.1: 1 of 1,611,212 alleles (0.000062%); highest among the groups gnomAD compares: Non-Finnish European, 0.000085%; no homozygotes.

Submission:

Victorian Clinical Genetics Services, Murdoch Childrens Research Institute
Classification: Likely pathogenic for Autosomal recessive ataxia, Beauce type. Last evaluated: 2021-05-06. Review status: criteria provided, single submitter. Criteria: ACMG Guidelines, 2015. Collection method: clinical testing. Allele origin: germline. Inheritance: Autosomal recessive inheritance. Affected: yes.
Comment: Based on the classification scheme VCGS_Germline_v1.3.4, this variant is classified as Likely Pathogenic. Following criteria are met: 0102 - Loss of function is a known mechanism of disease in this gene and is associated with autosomal recessive spinocerebellar ataxia 8 (MIM#610743). (I) 0108 - This gene is associated with both recessive and dominant disease. Heterozygous variants result in Emery-Dreifuss muscular dystrophy 4 (MIM#612998), whereas biallelic variants can cause either myogenic type arthrogryposis multiplex congenita 3 (MIM#618484) or spinocerebellar ataxia 8 (MIM#610743). Recessive variants causing arthrogryposis typically truncate the C-terminal KASH domain in the muscle-specific isoform, whereas spinocerebellar ataxia variants affect the larger isoform (OMIM). (I) 0211 - Canonical splice site variant without proven consequence on splicing (no functional evidence available). (SP) 0251 - This variant is heterozygous. (I) 0301 - Variant is absent from gnomAD (both v2 and v3). (SP) 0505 - Affected nucleotide is highly conserved. (SP) 0705 - No comparable canonical splice site variants have previous evidence for pathogenicity. (I) 0807 - This variant has no previous evidence of pathogenicity. (I) 0905 - No published segregation evidence has been identified for this variant. (I) 1007 - No published functional evidence has been identified for this variant. (I) 1201 - Heterozygous variant detected in trans with a second pathogenic heterozygous variant (NM_182961.3(SYNE1):c.25271_25273delTCCinsA; p.(Leu8424Glnfs*22)) in a recessive disease. (I) Legend: (SP) - Supporting pathogenic, (I) - Information, (SB) - Supporting benign